The following is an entry in ClinVar:

NM_031407.7(HUWE1):c.7813C>T (p.Arg2605Cys)

Gene: HUWE1 (HECT, UBA and WWE domain containing E3 ubiquitin protein ligase 1; minus strand). Cytogenetic location: Xp11.22.
Variant type: single nucleotide variant.
Coding change: c.7813C>T on transcript NM_031407.7 (MANE Select); coding-DNA position 7813, C replaced by T.
Protein change: p.Arg2605Cys; replaces arginine 2605 with cysteine.
Molecular consequence: missense variant.
Genome position (GRCh38, 1-based): chrX:53,559,456, G>A on the plus strand (C>T on the coding strand, the complement: HUWE1 is on the minus strand). VCF-style: chrX-53559456-G-A. GRCh37 (hg19) VCF-style: chrX-53586417-G-A.
Other names: c.7810C>T, p.Arg2604Cys (NM_001441048.1, NM_001441051.1, NM_001441053.1 and 2 more transcripts); c.7813C>T, p.Arg2605Cys (NM_001441049.1, NM_001441054.1, NM_001441057.1); c.7834C>T, p.Arg2612Cys (NM_001441050.1, NM_001441055.1); c.7411C>T, p.Arg2471Cys (NM_001441052.1); short protein forms R2604C, R2605C, R2471C, R2612C.
Identifiers: ClinVar variation 4999672 (VCV004999672.1).

ClinVar aggregate classification (germline): Uncertain significance (1 of 4 stars; one submission).

Conditions:
HUWE1-related disorder. Also called: HUWE1-related condition.

Submission:

PreventionGenetics, part of Exact Sciences
Classification: Uncertain significance for HUWE1-related condition. Last evaluated: 2024-11-27. Review status: criteria provided, single submitter. Criteria: ACMG Guidelines, 2015. Collection method: clinical testing. Allele origin: germline.
Comment: The HUWE1 c.7813C>T variant is predicted to result in the amino acid substitution p.Arg2605Cys. To our knowledge, this variant has not been reported in the literature or in a large population database (gnomAD), indicating this variant is rare. At this time, the clinical significance of this variant is uncertain due to the absence of conclusive functional and genetic evidence.